The following is an entry in ClinVar:

NM_003194.5(TBP):c.687G>A (p.Gln229=)

Gene: TBP (TATA-box binding protein; plus strand). Cytogenetic location: 6q27.
Variant type: single nucleotide variant.
Coding change: c.687G>A on transcript NM_003194.5 (MANE Select); coding-DNA position 687, G replaced by A.
Protein change: p.Gln229=; no amino-acid change (glutamine 229 retained).
Molecular consequence: synonymous variant.
Genome position (GRCh38, 1-based): chr6:170,569,621, G>A. VCF-style: chr6-170569621-G-A. GRCh37 (hg19) VCF-style: chr6-170878709-G-A.
Other names: p.Gln229=; c.627G>A, p.Gln209= (NM_001172085.2).
Identifiers: ClinVar variation 4683246 (VCV004683246.1).

ClinVar aggregate classification (germline): Likely benign (1 of 4 stars; one submission).

gnomAD v4.1: 211 of 1,613,970 alleles (0.013%); highest among the groups gnomAD compares: African/African-American, 0.25%; 1 homozygote.

Submission:

Mayo Clinic Laboratories, Mayo Clinic
Classification: Likely benign. Last evaluated: 2025-08-04. Review status: criteria provided, single submitter. Criteria: ACMG Guidelines, 2015. Collection method: clinical testing. Allele origin: germline. Observed: 1 variant allele.
Comment: BP4, BP7